The following is an entry in ClinVar:

NM_000156.6(GAMT):c.571-3C>G

Gene: GAMT (guanidinoacetate N-methyltransferase; minus strand). Cytogenetic location: 19p13.3.
Variant type: single nucleotide variant.
Coding change: c.571-3C>G on transcript NM_000156.6 (MANE Select); 3 bases into the intron before coding-DNA position 571, C replaced by G.
Molecular consequence: intron variant.
Genome position (GRCh38, 1-based): chr19:1,397,502, G>C on the plus strand (C>G on the coding strand, the complement: GAMT is on the minus strand). VCF-style: chr19-1397502-G-C. GRCh37 (hg19) VCF-style: chr19-1397501-G-C.
Identifiers: ClinVar variation 939221 (VCV000939221.10), dbSNP rs1367661704, ClinGen allele CA631044684.

ClinVar aggregate classification (germline): Conflicting classifications of pathogenicity. Review status: criteria provided, conflicting classifications (1 of 4 stars). 3 submissions from 3 submitters: Likely pathogenic (1); Uncertain significance (2). Last evaluated 2024-02-07.

Conditions:
Cerebral creatine deficiency syndrome. Also called: Creatine deficiency syndromes. Identifiers: Orphanet 79172, MedGen C5244016, MONDO:0000456.
Deficiency of guanidinoacetate methyltransferase (CCDS2). Also called: GAMT DEFICIENCY; CEREBRAL CREATINE DEFICIENCY SYNDROME 2; Guanidinoacetate Methyltransferase (GAMT) Deficiency. Identifiers: Orphanet 382, MedGen C0574080, MONDO:0012999, OMIM 612736.

Allele frequency attached by ClinVar (database versions not stated): gnomAD exomes below 0.00001; gnomAD 0.00001; TOPMed 0.00001.

Submissions (3):

Fulgent Genetics
Classification: Likely pathogenic for Deficiency of guanidinoacetate methyltransferase. Last evaluated: 2024-02-07. Review status: criteria provided, single submitter. Criteria: ACMG Guidelines, 2015. Collection method: clinical testing. Allele origin: germline.

Broad Center for Mendelian Genomics, Broad Institute of MIT and Harvard
Classification: Uncertain significance for Cerebral creatine deficiency syndrome. Last evaluated: 2021-11-02. Review status: criteria provided, single submitter. Criteria: ACMG Guidelines, 2015. Collection method: curation. Allele origin: germline. Inheritance: Autosomal recessive inheritance.
Comment: The c.571-3C>G variant in GAMT has been reported in 1 compound heterozygous individual with cerebral creatine deficiency syndrome (PMID: 11136556) and has been identified in 0.0009% (1/112052) of European (non-Finnish) chromosomes by the Genome Aggregation Database (gnomAD; dbSNP ID: rs1367661704). Although this variant has been seen in the general population in a heterozygous state, its frequency is low enough to be consistent with a recessive carrier frequency. This variant has also been reported in ClinVar (Variation ID#: 93922) and has been interpreted as VUS by Invitae. This variant is located in the 5' splice region. Computational prediction tools and conservation analyses do not provide strong support for or against an impact to the protein. The phenotype of an individual compound heterozygous for this variant is highly specific for cerebral creatine deficiency syndrome based on strict biochemical investigations consistent with disease (PMID: 11136556). In summary, the clinical significance of the c.571-3C>G variant is uncertain. ACMG/AMP Criteria applied: PM2_supporting, PP4_moderate (Richards 2015).

Labcorp Genetics (formerly Invitae), Labcorp
Classification: Uncertain significance for Cerebral creatine deficiency syndrome. Last evaluated: 2021-08-26. Review status: criteria provided, single submitter. Criteria: Invitae Variant Classification Sherloc (09022015). Collection method: clinical testing. Allele origin: germline.
Comment: This sequence change falls in intron 5 of the GAMT gene. It does not directly change the encoded amino acid sequence of the GAMT protein. It affects a nucleotide within the consensus splice site of the intron. This variant is not present in population databases (ExAC no frequency). This variant has been observed in individual(s) with GAMT-related conditions (PMID: 11136556). Variants that disrupt the consensus splice site are a relatively common cause of aberrant splicing (PMID: 17576681, 9536098). Algorithms developed to predict the effect of sequence changes on RNA splicing suggest that this variant may disrupt the consensus splice site. In summary, the available evidence is currently insufficient to determine the role of this variant in disease. Therefore, it has been classified as a Variant of Uncertain Significance.

Literature cited by the submitters: PubMed 11136556 (cited by Labcorp Genetics (formerly Invitae), Labcorp); PubMed 17576681 (cited by Labcorp Genetics (formerly Invitae), Labcorp); PubMed 9536098 (cited by Labcorp Genetics (formerly Invitae), Labcorp).